The following is an entry in ClinVar:

NM_001379081.2(FREM1):c.1775T>G (p.Phe592Cys)

Gene: FREM1 (FRAS1 related extracellular matrix 1; minus strand). Cytogenetic location: 9p22.3.
Variant type: single nucleotide variant.
Coding change: c.1775T>G on transcript NM_001379081.2 (MANE Select); coding-DNA position 1775, T replaced by G.
Protein change: p.Phe592Cys; replaces phenylalanine 592 with cysteine.
Molecular consequence: missense variant. On other transcripts: non-coding transcript variant (2).
Genome position (GRCh38, 1-based): chr9:14,841,553, A>C on the plus strand (T>G on the coding strand, the complement: FREM1 is on the minus strand). VCF-style: chr9-14841553-A-C. GRCh37 (hg19) VCF-style: chr9-14841551-A-C.
Other names: c.1775T>G, p.Phe592Cys (NM_144966.7); short protein forms F592C.
Identifiers: ClinVar variation 3353052 (VCV003353052.3).
Genomic context (GRCh38, chr9:14,841,553, plus strand): 5'-AATTGAAAAGAATCTTCAAAGATTTCTCCACCAAAATGACGATAATAAATGATTCCATTA[A>C]ACAAATCCCTCTGAAGGAAGCCATGGACAGGATAGCCTATTGGGTCCATAAAACACCACA-3'
Protein context (NP_001366010.1, residues 582-602): PVHGFLQRDL[Phe592Cys]NGIIYYRHFG

ClinVar aggregate classification (germline): Uncertain significance. Review status: criteria provided, multiple submitters, no conflicts (2 of 4 stars). 3 submissions from 3 submitters: Uncertain significance (2). 1 of the submissions does not count toward it. Last evaluated 2024-08-07.

Conditions:
Inborn genetic diseases. Identifiers: MedGen C0950123, MeSH D030342.
BNAR syndrome. Also called: Bifid Nose With or Without Anorectal and Renal Anomalies (BNAR) Syndrome. Identifiers: Orphanet 217266, MedGen C2750433, MONDO:0012165, OMIM 608980.
Oculotrichoanal syndrome (MOTA). Also called: MARLES SYNDROME; Manitoba Oculotrichoanal (MOTA) Syndrome. Identifiers: Orphanet 2717, MedGen C1855425, MONDO:0009560, OMIM 248450.
Trigonocephaly 2 (TRIGNO2). Identifiers: Orphanet 3366, MedGen C3280974, MONDO:0013774, OMIM 614485.
FREM1-related disorder. Also called: FREM1-Related Disorders; FREM1-related condition.

gnomAD v4.1: 78 of 1,611,750 alleles (0.0048%); highest among the groups gnomAD compares: Middle Eastern, 0.017%; no homozygotes.

Submissions (3):

Ambry Genetics
Classification: Uncertain significance for Inborn genetic diseases. Last evaluated: 2024-08-07. Review status: criteria provided, single submitter. Criteria: Ambry Variant Classification Scheme 2023. Collection method: clinical testing. Allele origin: germline.

Fulgent Genetics
Classification: Uncertain significance for Oculotrichoanal syndrome; BNAR syndrome; Trigonocephaly 2. Last evaluated: 2024-05-08. Review status: criteria provided, single submitter. Criteria: ACMG Guidelines, 2015. Collection method: clinical testing. Allele origin: germline.

PreventionGenetics, part of Exact Sciences
Classification: Uncertain significance for FREM1-related condition. Last evaluated: 2024-06-06. Review status: no assertion criteria provided. Collection method: clinical testing. Allele origin: germline. Not counted in ClinVar's aggregate classification.
Comment: The FREM1 c.1775T>G variant is predicted to result in the amino acid substitution p.Phe592Cys. To our knowledge, this variant has not been reported in the literature. This variant is reported in 0.0087% of alleles in individuals of Latino descent in gnomAD. At this time, the clinical significance of this variant is uncertain due to the absence of conclusive functional and genetic evidence.